The following is an entry in ClinVar:

ClinVar aggregate classification (germline): Uncertain significance (1 of 4 stars; one submission).

gnomAD v4.1: 1 of 1,612,552 alleles (0.000062%); highest among the groups gnomAD compares: Non-Finnish European, 0.000085%; no homozygotes.

Submission:

GeneDx
Classification: Uncertain significance. Last evaluated: 2025-08-09. Review status: criteria provided, single submitter. Criteria: GeneDx Variant Classification Process June 2021. Collection method: clinical testing. Allele origin: germline. Affected: yes.
Comment: Not observed at significant frequency in large population cohorts (gnomAD); In silico analysis supports that this missense variant has a deleterious effect on protein structure/function; Has not been previously published as pathogenic or benign to our knowledge

NM_138459.5(NUS1):c.866A>G (p.Gln289Arg)

Gene: NUS1 (NUS1 dehydrodolichyl diphosphate synthase subunit; plus strand). Cytogenetic location: 6q22.1.
Variant type: single nucleotide variant.
Coding change: c.866A>G on transcript NM_138459.5 (MANE Select); coding-DNA position 866, A replaced by G.
Protein change: p.Gln289Arg; replaces glutamine 289 with arginine.
Molecular consequence: missense variant.
Genome position (GRCh38, 1-based): chr6:117,706,999, A>G. VCF-style: chr6-117706999-A-G. GRCh37 (hg19) VCF-style: chr6-118028162-A-G.
Other names: short protein forms Q289R.
Identifiers: ClinVar variation 4755951 (VCV004755951.1).